The following is an entry in ClinVar:

ClinVar aggregate classification (germline): Uncertain significance (1 of 4 stars; one submission).

gnomAD v4.1: 1 of 1,611,374 alleles (0.000062%); highest among the groups gnomAD compares: Non-Finnish European, 0.000085%; no homozygotes.

Submission:

Labcorp Genetics (formerly Invitae), Labcorp
Classification: Uncertain significance. Last evaluated: 2025-10-27. Review status: criteria provided, single submitter. Criteria: Invitae Variant Classification Sherloc (09022015). Collection method: clinical testing. Allele origin: germline.
Comment: This sequence change replaces glutamine, which is neutral and polar, with histidine, which is basic and polar, at codon 617 of the XPO5 protein (p.Gln617His). This variant is not present in population databases (gnomAD no frequency). This variant has not been reported in the literature in individuals affected with XPO5-related conditions. An algorithm developed to predict the effect of missense changes on protein structure and function (PolyPhen-2) suggests that this variant is likely to be tolerated. In summary, the available evidence is currently insufficient to determine the role of this variant in disease. Therefore, it has been classified as a Variant of Uncertain Significance.

NM_020750.3(XPO5):c.1851G>T (p.Gln617His)

Genes: POLR1C (RNA polymerase I and III subunit C; plus strand), XPO5 (exportin 5; minus strand). Cytogenetic location: 6p21.1.
Variant type: single nucleotide variant.
Coding change: c.1851G>T on transcript NM_020750.3 (MANE Select); coding-DNA position 1851, G replaced by T.
Protein change: p.Gln617His; replaces glutamine 617 with histidine.
Molecular consequence: missense variant. On other transcripts: non-coding transcript variant (1), intron variant (1).
Genome position (GRCh38, 1-based): chr6:43,549,498, C>A on the plus strand (G>T on the coding strand, the complement: XPO5 is on the minus strand). VCF-style: chr6-43549498-C-A. GRCh37 (hg19) VCF-style: chr6-43517235-C-A.
Other names: c.923-1470C>A (NM_001363658.2); short protein forms Q617H.
Identifiers: ClinVar variation 4729654 (VCV004729654.1).
Genomic context (GRCh38, chr6:43,549,498, plus strand): 5'-CACACAAATGTAACCAAACTTGGCTACTTCAGCCAGGGTCCAGCAGCTTACCAGCACAAG[C>A]TGGGGGTAGTCACGACACATCTTGATGATGGAGGAACAAGCATGCCTCCTCACATTCCTC-3'
Protein context (NP_065801.1, residues 607-627): SIIKMCRDYP[Gln617His]LVLPNFDMLY